The following is an entry in ClinVar:

ClinVar aggregate classification (germline): Uncertain significance. Review status: criteria provided, multiple submitters, no conflicts (2 of 4 stars). 2 submissions from 2 submitters: Uncertain significance (2). Last evaluated 2023-05-22.

Allele frequency attached by ClinVar (database versions not stated): ESP Exome Variant Server 0.00008; gnomAD 0.00001; TOPMed 0.00003; ExAC 0.00004; gnomAD exomes 0.00004.
gnomAD v4.1: 64 of 1,591,416 alleles (0.004%); highest among the groups gnomAD compares: Non-Finnish European, 0.0045%; no homozygotes.

Submissions (2):

Labcorp Genetics (formerly Invitae), Labcorp
Classification: Uncertain significance. Last evaluated: 2023-05-22. Review status: criteria provided, single submitter. Criteria: Invitae Variant Classification Sherloc (09022015). Collection method: clinical testing. Allele origin: germline.
Comment: In summary, the available evidence is currently insufficient to determine the role of this variant in disease. Therefore, it has been classified as a Variant of Uncertain Significance. Algorithms developed to predict the effect of missense changes on protein structure and function output the following: SIFT: "Not Available"; PolyPhen-2: "Benign"; Align-GVGD: "Not Available". The histidine amino acid residue is found in multiple mammalian species, which suggests that this missense change does not adversely affect protein function. ClinVar contains an entry for this variant (Variation ID: 1898558). This variant has not been reported in the literature in individuals affected with GPR45-related conditions. This variant is present in population databases (rs372207201, gnomAD 0.009%). This sequence change replaces tyrosine, which is neutral and polar, with histidine, which is basic and polar, at codon 13 of the GPR45 protein (p.Tyr13His).

Ambry Genetics
Classification: Uncertain significance. Last evaluated: 2023-02-17. Review status: criteria provided, single submitter. Criteria: Ambry Variant Classification Scheme 2023. Collection method: clinical testing. Allele origin: germline.

NM_007227.3(GPR45):c.37T>C (p.Tyr13His)

Gene: GPR45 (G protein-coupled receptor 45; plus strand). Cytogenetic location: 2q12.1.
Variant type: single nucleotide variant.
Coding change: c.37T>C on transcript NM_007227.3 (MANE Select); coding-DNA position 37, T replaced by C.
Protein change: p.Tyr13His; replaces tyrosine 13 with histidine.
Molecular consequence: missense variant.
Genome position (GRCh38, 1-based): chr2:105,241,895, T>C. VCF-style: chr2-105241895-T-C. GRCh37 (hg19) VCF-style: chr2-105858352-T-C.
Other names: short protein forms Y13H.
Identifiers: ClinVar variation 1898558 (VCV001898558.7), dbSNP rs372207201, ClinGen allele CA1813505.